The following is an entry in ClinVar:

NM_000138.5(FBN1):c.1108G>T (p.Val370Phe)

Genes: FBN1 (fibrillin 1; minus strand), LOC113939944 (Sharpr-MPRA regulatory region 9539; plus strand). Cytogenetic location: 15q21.1.
Variant type: single nucleotide variant.
Coding change: c.1108G>T on transcript NM_000138.5 (MANE Select); coding-DNA position 1108, G replaced by T.
Protein change: p.Val370Phe; replaces valine 370 with phenylalanine.
Molecular consequence: missense variant.
Genome position (GRCh38, 1-based): chr15:48,520,698, C>A on the plus strand (G>T on the coding strand, the complement: FBN1 is on the minus strand). VCF-style: chr15-48520698-C-A. GRCh37 (hg19) VCF-style: chr15-48812895-C-A.
Other names: short protein forms V370F.
Identifiers: ClinVar variation 919876 (VCV000919876.15), dbSNP rs1191931914, ClinGen allele CA392347275.

ClinVar aggregate classification (germline): Conflicting classifications of pathogenicity. Review status: criteria provided, conflicting classifications (1 of 4 stars). 3 submissions from 3 submitters: Uncertain significance (2); Likely benign (1). Last evaluated 2024-03-06.

Conditions:
Marfan syndrome (MFS). Also called: Marfan syndrome, classic; Marfan syndrome type 1; Marfan's syndrome; FBN1-Related Marfan Syndrome; MARFAN SYNDROME, TYPE I. Identifiers: Orphanet 284963, Orphanet 558, MedGen C0024796, MONDO:0007947, OMIM 154700.
Familial thoracic aortic aneurysm and aortic dissection (TAAD). Also called: Thoracic aortic aneurysms and dissections. Identifiers: Orphanet 91387, MedGen C4707243, MONDO:0019625.

Allele frequency attached by ClinVar (database versions not stated): gnomAD exomes 0.00001.
gnomAD v4.1: 8 of 1,614,128 alleles (0.0005%); highest among the groups gnomAD compares: Admixed American, 0.0017%; no homozygotes.

Submissions (3):

Color Diagnostics, LLC DBA Color Health
Classification: Uncertain significance for Familial thoracic aortic aneurysm and aortic dissection. Last evaluated: 2024-03-06. Review status: criteria provided, single submitter. Criteria: ACMG Guidelines, 2015. Collection method: clinical testing. Allele origin: germline.
Comment: This missense variant replaces valine with phenylalanine at codon 370 of the FBN1 protein. Computational prediction suggests that this variant may not impact protein structure and function (internally defined REVEL score threshold <= 0.5, PMID: 27666373). To our knowledge, functional studies have not been reported for this variant. This variant has not been reported in individuals affected with FBN1-related disorders in the literature. This variant has been identified in 2/251258 chromosomes in the general population by the Genome Aggregation Database (gnomAD). The available evidence is insufficient to determine the role of this variant in disease conclusively. Therefore, this variant is classified as a Variant of Uncertain Significance.

All of Us Research Program, National Institutes of Health
Classification: Uncertain significance for Marfan syndrome. Last evaluated: 2023-08-08. Review status: criteria provided, single submitter. Criteria: ACMG Guidelines, 2015. Collection method: clinical testing. Allele origin: germline. Inheritance: Autosomal dominant inheritance. Observed: 3 variant alleles, 3 heterozygotes.
Comment: This missense variant replaces valine with phenylalanine at codon 370 of the FBN1 protein. Computational prediction suggests that this variant may not impact protein structure and function (internally defined REVEL score threshold <= 0.5, PMID: 27666373). Splice site prediction tools suggest that this variant may not impact RNA splicing. To our knowledge, functional studies have not been performed for this variant. This variant has not been reported in individuals affected with cardiovascular disorders in the literature. This variant has been identified in 2/251258 chromosomes in the general population by the Genome Aggregation Database (gnomAD). The available evidence is insufficient to determine the role of this variant in disease conclusively. Therefore, this variant is classified as a Variant of Uncertain Significance.

This study involves interpretation of variants in research participants for the purpose of population health screening. Participant phenotype was not available at the time of variant classification. Additional details can be found in publication PMID: 35346344, PMCID: PMC8962531

Labcorp Genetics (formerly Invitae), Labcorp
Classification: Likely benign for Marfan syndrome; Familial thoracic aortic aneurysm and aortic dissection. Last evaluated: 2022-10-17. Review status: criteria provided, single submitter. Criteria: Invitae Variant Classification Sherloc (09022015). Collection method: clinical testing. Allele origin: germline.